The following is an entry in ClinVar:

NM_006648.4(WNK2):c.5581G>A (p.Val1861Met)

Gene: WNK2 (WNK lysine deficient protein kinase 2; plus strand). Cytogenetic location: 9q22.31.
Variant type: single nucleotide variant.
Coding change: c.5581G>A on transcript NM_006648.4 (MANE Select); coding-DNA position 5581, G replaced by A.
Protein change: p.Val1861Met; replaces valine 1861 with methionine.
Molecular consequence: missense variant.
Genome position (GRCh38, 1-based): chr9:93,293,046, G>A. VCF-style: chr9-93293046-G-A. GRCh37 (hg19) VCF-style: chr9-96055328-G-A.
Other names: c.5692G>A, p.Val1898Met (NM_001282394.3); short protein forms V1861M, V1898M.
Identifiers: ClinVar variation 3981746 (VCV003981746.1).

ClinVar aggregate classification (germline): Uncertain significance (1 of 4 stars; one submission).

Submission:

Ambry Genetics
Classification: Uncertain significance. Last evaluated: 2025-03-28. Review status: criteria provided, single submitter. Criteria: Ambry Variant Classification Scheme 2023. Collection method: clinical testing. Allele origin: germline.
Comment: The p.V1861M variant (also known as c.5581G>A), located in coding exon 22 of the WNK2 gene, results from a G to A substitution at nucleotide position 5581. The valine at codon 1861 is replaced by methionine, an amino acid with highly similar properties. This amino acid position is conserved. In addition, this alteration is predicted to be tolerated by in silico analysis. Based on the available evidence, the clinical significance of this variant remains unclear.